The following is an entry in ClinVar:

NM_005633.4(SOS1):c.169A>T (p.Asn57Tyr)

Gene: SOS1 (SOS Ras/Rac guanine nucleotide exchange factor 1; minus strand). Cytogenetic location: 2p22.1.
Variant type: single nucleotide variant.
Coding change: c.169A>T on transcript NM_005633.4 (MANE Select); coding-DNA position 169, A replaced by T.
Protein change: p.Asn57Tyr; replaces asparagine 57 with tyrosine.
Molecular consequence: missense variant.
Genome position (GRCh38, 1-based): chr2:39,067,672, T>A on the plus strand (A>T on the coding strand, the complement: SOS1 is on the minus strand). VCF-style: chr2-39067672-T-A. GRCh37 (hg19) VCF-style: chr2-39294813-T-A.
Other names: c.148A>T, p.Asn50Tyr (NM_001382394.1); c.169A>T, p.Asn57Tyr (NM_001382395.1); short protein forms N57Y, N50Y.
Identifiers: ClinVar variation 847050 (VCV000847050.14), dbSNP rs765764610, ClinGen allele CA46014818.

ClinVar aggregate classification (germline): Uncertain significance. Review status: criteria provided, multiple submitters, no conflicts (2 of 4 stars). 6 submissions from 5 submitters: Uncertain significance (6). Last evaluated 2025-12-16.

Conditions:
Fibromatosis, gingival, 1 (GINGF1). Identifiers: Orphanet 2024, MedGen C4551558, MONDO:0007609, OMIM 135300.
Noonan syndrome 4 (NS4). Also called: SOS1-Related Noonan Syndrome; NOONAN SYNDROME WITH PIGMENTED VILLONODULAR SYNOVITIS. Identifiers: Orphanet 648, MedGen C1853120, MONDO:0012547, OMIM 610733.
Cardiovascular phenotype. Identifiers: MedGen CN230736.
RASopathy. Also called: rasopathies; Noonan spectrum disorder. Identifiers: Orphanet 536391, MedGen C5555857, MONDO:0021060.

Allele frequency attached by ClinVar (database versions not stated): TOPMed 0.00001; gnomAD exomes 0.00002 and 0.00005.
gnomAD v4.1: 75 of 1,613,208 alleles (0.0046%); highest among the groups gnomAD compares: Non-Finnish European, 0.0059%; no homozygotes.

Submissions (6):

Labcorp Genetics (formerly Invitae), Labcorp
Classification: Uncertain significance for RASopathy. Last evaluated: 2025-12-16. Review status: criteria provided, single submitter. Criteria: Invitae Variant Classification Sherloc (09022015). Collection method: clinical testing. Allele origin: germline.
Comment: This sequence change replaces asparagine, which is neutral and polar, with tyrosine, which is neutral and polar, at codon 57 of the SOS1 protein (p.Asn57Tyr). This variant is present in population databases (rs765764610, gnomAD 0.003%). This variant has not been reported in the literature in individuals affected with SOS1-related conditions. ClinVar contains an entry for this variant (Variation ID: 847050). Invitae Evidence Modeling of protein sequence and biophysical properties (such as structural, functional, and spatial information, amino acid conservation, physicochemical variation, residue mobility, and thermodynamic stability) has been performed for this missense variant. However, the output from this modeling did not meet the statistical confidence thresholds required to predict the impact of this variant on SOS1 protein function. In summary, the available evidence is currently insufficient to determine the role of this variant in disease. Therefore, it has been classified as a Variant of Uncertain Significance.

Ambry Genetics
Classification: Uncertain significance for Cardiovascular phenotype. Last evaluated: 2024-08-28. Review status: criteria provided, single submitter. Criteria: Ambry Variant Classification Scheme 2023. Collection method: clinical testing. Allele origin: germline.
Comment: The p.N57Y variant (also known as c.169A>T), located in coding exon 2 of the SOS1 gene, results from an A to T substitution at nucleotide position 169. The asparagine at codon 57 is replaced by tyrosine, an amino acid with dissimilar properties. This amino acid position is not well conserved in available vertebrate species. In addition, the in silico prediction for this alteration is inconclusive. Since supporting evidence is limited at this time, the clinical significance of this alteration remains unclear.

GeneDx
Classification: Uncertain significance. Last evaluated: 2022-04-25. Review status: criteria provided, single submitter. Criteria: GeneDx Variant Classification Process June 2021. Collection method: clinical testing. Allele origin: germline. Affected: yes.
Comment: In silico analysis supports that this missense variant has a deleterious effect on protein structure/function; Missense variants in this gene are often considered pathogenic (HGMD); Has not been previously published as pathogenic or benign to our knowledge; This variant is associated with the following publications: (PMID: 29493581)

Fulgent Genetics
Classification: Uncertain significance for Fibromatosis, gingival, 1; Noonan syndrome 4. Last evaluated: 2021-10-31. Review status: criteria provided, single submitter. Criteria: ACMG Guidelines, 2015. Collection method: clinical testing. Allele origin: unknown.

Genome-Nilou Lab
Classification: Uncertain significance for Noonan syndrome 4. Review status: criteria provided, single submitter. Criteria: ACMG Guidelines, 2015. Collection method: clinical testing. Allele origin: germline.

Genome-Nilou Lab
Classification: Uncertain significance for Fibromatosis, gingival, 1. Review status: criteria provided, single submitter. Criteria: ACMG Guidelines, 2015. Collection method: clinical testing. Allele origin: germline.